The following is an entry in ClinVar:

ClinVar aggregate classification (germline): Likely benign (0 of 4 stars; one submission).

Conditions:
FLT3-related disorder. Also called: FLT3-related condition.

Allele frequency attached by ClinVar (database versions not stated): gnomAD exomes 0.00001; gnomAD 0.00002; ExAC 0.00003; TOPMed 0.00005; ESP Exome Variant Server 0.00008; 1000 Genomes Project 30x 0.00016; 1000 Genomes Project 0.00020.
gnomAD v4.1: 11 of 1,613,656 alleles (0.00068%); highest among the groups gnomAD compares: African/African-American, 0.008%; no homozygotes.

Submission:

PreventionGenetics, part of Exact Sciences
Classification: Likely benign for FLT3-related condition. Last evaluated: 2019-04-10. Review status: no assertion criteria provided. Collection method: clinical testing. Allele origin: germline.
Comment: This variant is classified as likely benign based on ACMG/AMP sequence variant interpretation guidelines (Richards et al. 2015 PMID: 25741868, with internal and published modifications).

NM_004119.3(FLT3):c.285C>T (p.Val95=)

Gene: FLT3 (fms related receptor tyrosine kinase 3; minus strand). Cytogenetic location: 13q12.2.
Variant type: single nucleotide variant.
Coding change: c.285C>T on transcript NM_004119.3 (MANE Select); coding-DNA position 285, C replaced by T.
Protein change: p.Val95=; no amino-acid change (valine 95 retained).
Molecular consequence: synonymous variant. On other transcripts: non-coding transcript variant (1).
Genome position (GRCh38, 1-based): chr13:28,061,950, G>A on the plus strand (C>T on the coding strand, the complement: FLT3 is on the minus strand). VCF-style: chr13-28061950-G-A. GRCh37 (hg19) VCF-style: chr13-28636087-G-A.
Identifiers: ClinVar variation 3047889 (VCV003047889.2), dbSNP rs371992934, ClinGen allele CA6928959.